The following is an entry in ClinVar:

NM_001352514.2(HLCS):c.130C>G (p.Gln44Glu)

Genes: HLCS (holocarboxylase synthetase; minus strand), HLCS-AS1 (HLCS antisense RNA 1; plus strand). Cytogenetic location: 21q22.13.
Variant type: single nucleotide variant.
Coding change: c.130C>G on transcript NM_001352514.2 (MANE Select); coding-DNA position 130, C replaced by G.
Protein change: p.Gln44Glu; replaces glutamine 44 with glutamic acid.
Molecular consequence: missense variant. On other transcripts: 5 prime UTR variant (1), intron variant (5).
Genome position (GRCh38, 1-based): chr21:36,966,509, G>C on the plus strand (C>G on the coding strand, the complement: HLCS is on the minus strand). VCF-style: chr21-36966509-G-C. GRCh37 (hg19) VCF-style: chr21-38338809-G-C.
Other names: c.-1267C>G (NM_001242784.3); c.-246-4339C>G (NM_001352517.1, NM_001352515.2, NM_001352516.2); c.-392-4339C>G (NM_001242785.2, NM_000411.8); short protein forms Q44E.
Identifiers: ClinVar variation 2571147 (VCV002571147.28), dbSNP rs2843959, ClinGen allele CA10020817.
Genomic context (GRCh38, chr21:36,966,509, plus strand): 5'-TGTCGCTGACGCAGAAGACGCGGCCGCCACGGCTCAGGCACACGCGGGCGCCCGGGGGCT[G>C]CGCGGCCGCGCCGCAGAAGGTGAAGGAACAGCGCGAGGCACGCAGCCGCCGCACCGTGGC-3'
Protein context (NP_001339443.1, residues 34-54): CSFTFCGAAA[Gln44Glu]PPGARVCLSR

ClinVar aggregate classification (germline): Conflicting classifications of pathogenicity. Review status: criteria provided, conflicting classifications (1 of 4 stars). 2 submissions from 2 submitters: Uncertain significance (1); Likely benign (1). Last evaluated 2026-09-01.

Conditions:
Holocarboxylase synthetase deficiency. Also called: MULTIPLE CARBOXYLASE DEFICIENCY, EARLY ONSET. Identifiers: Orphanet 79242, MedGen C0268581, MONDO:0009666, OMIM 253270.

Allele frequency attached by ClinVar (database versions not stated): gnomAD exomes 0.00250; 1000 Genomes Project 30x 0.00016; gnomAD 0.00098; TOPMed 0.00099.
gnomAD v4.1: 2,239 of 986,586 alleles (0.23%); highest among the groups gnomAD compares: Non-Finnish European, 0.26%; no homozygotes.

Submissions (2):

CeGaT Center for Human Genetics Tuebingen
Classification: Likely benign. Last evaluated: 2026-09-01. Review status: criteria provided, single submitter. Criteria: CeGaT Center For Human Genetics Tuebingen Variant Classification Criteria Version 2. Collection method: clinical testing. Allele origin: germline. Affected: yes. Observed: 2 variant alleles.
Comment: HLCS: BS1

Department of Pathology and Laboratory Medicine, Sinai Health System
Classification: Uncertain significance for Holocarboxylase synthetase deficiency. Last evaluated: 2023-09-01. Review status: criteria provided, single submitter. Criteria: ACMG Guidelines, 2015. Collection method: research. Allele origin: germline.